The following is an entry in ClinVar:

ClinVar aggregate classification (germline): Benign (1 of 4 stars; one submission).

Allele frequency attached by ClinVar (database versions not stated): 1000 Genomes Project 0.16134; 1000 Genomes Project 30x 0.16474; TOPMed 0.20949; gnomAD 0.21648 and 0.21984.
gnomAD v4.1: 32,956 of 152,098 alleles (22%); highest among the groups gnomAD compares: Middle Eastern, 26%; 3,894 homozygotes.

Submission:

GeneDx
Classification: Benign. Last evaluated: 2018-06-18. Review status: criteria provided, single submitter. Criteria: GeneDx Variant Classification (06012015). Collection method: clinical testing. Allele origin: germline. Affected: yes.
Comment: This variant is considered likely benign or benign based on one or more of the following criteria: it is a conservative change, it occurs at a poorly conserved position in the protein, it is predicted to be benign by multiple in silico algorithms, and/or has population frequency not consistent with disease.

NM_001134407.3(GRIN2A):c.415-309G>A

Gene: GRIN2A (glutamate ionotropic receptor NMDA type subunit 2A; minus strand). Cytogenetic location: 16p13.2.
Variant type: single nucleotide variant.
Coding change: c.415-309G>A on transcript NM_001134407.3 (MANE Select); 309 bases into the intron before coding-DNA position 415, G replaced by A.
Molecular consequence: intron variant.
Genome position (GRCh38, 1-based): chr16:9,938,860, C>T on the plus strand (G>A on the coding strand, the complement: GRIN2A is on the minus strand). VCF-style: chr16-9938860-C-T. GRCh37 (hg19) VCF-style: chr16-10032717-C-T.
Other names: c.415-309G>A (NM_001134408.2, NM_000833.5).
Identifiers: ClinVar variation 668959 (VCV000668959.1), dbSNP rs11648171, ClinGen allele CA14239625.